The following is an entry in ClinVar:

ClinVar aggregate classification (germline): Uncertain significance (1 of 4 stars; one submission).

Submission:

GeneDx
Classification: Uncertain significance. Last evaluated: 2026-02-22. Review status: criteria provided, single submitter. Criteria: GeneDx Variant Classification Process June 2021. Collection method: clinical testing. Allele origin: germline.
Comment: Not observed at significant frequency in large population cohorts (gnomAD); In silico analysis supports a deleterious effect on splicing; Has not been previously published as pathogenic or benign to our knowledge

NM_005898.5(CAPRIN1):c.1404+5G>A

Gene: CAPRIN1 (cell cycle associated protein 1; plus strand). Cytogenetic location: 11p13.
Variant type: single nucleotide variant.
Coding change: c.1404+5G>A on transcript NM_005898.5 (MANE Select); 5 bases into the intron after coding-DNA position 1404, G replaced by A.
Molecular consequence: intron variant.
Genome position (GRCh38, 1-based): chr11:34,090,294, G>A. VCF-style: chr11-34090294-G-A. GRCh37 (hg19) VCF-style: chr11-34111841-G-A.
Other names: c.1404+5G>A (NM_203364.3).
Identifiers: ClinVar variation 5009802 (VCV005009802.1).